The following is an entry in ClinVar:

NM_032043.3(BRIP1):c.1915C>A (p.His639Asn)

Gene: BRIP1 (BRCA1 interacting DNA helicase 1; minus strand). Cytogenetic location: 17q23.2.
Variant type: single nucleotide variant.
Coding change: c.1915C>A on transcript NM_032043.3 (MANE Select); coding-DNA position 1915, C replaced by A.
Protein change: p.His639Asn; replaces histidine 639 with asparagine.
Molecular consequence: missense variant.
Genome position (GRCh38, 1-based): chr17:61,780,281, G>T on the plus strand (C>A on the coding strand, the complement: BRIP1 is on the minus strand). VCF-style: chr17-61780281-G-T. GRCh37 (hg19) VCF-style: chr17-59857642-G-T.
Other names: short protein forms H639N.
Identifiers: ClinVar variation 1462386 (VCV001462386.7), dbSNP rs2145075261, ClinGen allele CA400479222.

ClinVar aggregate classification (germline): Uncertain significance (1 of 4 stars; one submission).

Conditions:
Familial cancer of breast. Also called: Hereditary breast cancer; BREAST CANCER, FAMILIAL; hereditary breast carcinoma. Identifiers: Orphanet 227535, MedGen C0346153, MONDO:0016419, OMIM 114480. Disease mechanism: loss of function.
Fanconi anemia complementation group J. Also called: BRIP1-Related Fanconi Anemia. Identifiers: Orphanet 84, MedGen C1836860, MONDO:0012187, OMIM 609054.

Submission:

Labcorp Genetics (formerly Invitae), Labcorp
Classification: Uncertain significance for Familial cancer of breast; Fanconi anemia complementation group J. Last evaluated: 2021-11-18. Review status: criteria provided, single submitter. Criteria: Invitae Variant Classification Sherloc (09022015). Collection method: clinical testing. Allele origin: germline.
Comment: This variant has not been reported in the literature in individuals affected with BRIP1-related conditions. In summary, the available evidence is currently insufficient to determine the role of this variant in disease. Therefore, it has been classified as a Variant of Uncertain Significance. Algorithms developed to predict the effect of missense changes on protein structure and function are either unavailable or do not agree on the potential impact of this missense change (SIFT: "Deleterious"; PolyPhen-2: "Probably Damaging"; Align-GVGD: "Class C15"). This variant is not present in population databases (gnomAD no frequency). This sequence change replaces histidine, which is basic and polar, with asparagine, which is neutral and polar, at codon 639 of the BRIP1 protein (p.His639Asn).